The following is an entry in ClinVar:

NM_006031.6(PCNT):c.4540C>A (p.Pro1514Thr)

Gene: PCNT (pericentrin; plus strand). Cytogenetic location: 21q22.3.
Variant type: single nucleotide variant.
Coding change: c.4540C>A on transcript NM_006031.6 (MANE Select); coding-DNA position 4540, C replaced by A.
Protein change: p.Pro1514Thr; replaces proline 1514 with threonine.
Molecular consequence: missense variant.
Genome position (GRCh38, 1-based): chr21:46,398,107, C>A. VCF-style: chr21-46398107-C-A. GRCh37 (hg19) VCF-style: chr21-47818021-C-A.
Other names: c.4186C>A, p.Pro1396Thr (NM_001315529.2); short protein forms P1396T, P1514T.
Identifiers: ClinVar variation 3353887 (VCV003353887.2).

ClinVar aggregate classification (germline): Uncertain significance. Review status: criteria provided, single submitter (1 of 4 stars). 2 submissions from 2 submitters: Uncertain significance (1). 1 of the submissions does not count toward it. Last evaluated 2025-10-28.

Conditions:
PCNT-related disorder. Also called: PCNT-related condition.
Inborn genetic diseases. Identifiers: MedGen C0950123, MeSH D030342.

Submissions (2):

Ambry Genetics
Classification: Uncertain significance for Inborn genetic diseases. Last evaluated: 2025-10-28. Review status: criteria provided, single submitter. Criteria: Ambry Variant Classification Scheme 2023. Collection method: clinical testing. Allele origin: germline.

PreventionGenetics, part of Exact Sciences
Classification: Uncertain significance for PCNT-related condition. Last evaluated: 2024-08-19. Review status: no assertion criteria provided. Collection method: clinical testing. Allele origin: germline. Not counted in ClinVar's aggregate classification.
Comment: The PCNT c.4540C>A variant is predicted to result in the amino acid substitution p.Pro1514Thr. To our knowledge, this variant has not been reported in the literature or in a large population database, indicating this variant is rare. At this time, the clinical significance of this variant is uncertain due to the absence of conclusive functional and genetic evidence.